The following is an entry in ClinVar:

NM_030665.4(RAI1):c.1360_1375dup (p.Val459fs)

Gene: RAI1 (retinoic acid induced 1; plus strand). Cytogenetic location: 17p11.2.
Variant type: Duplication.
Coding change: c.1360_1375dup on transcript NM_030665.4 (MANE Select); coding-DNA positions 1360 to 1375, 16 bases duplicated (CTCTCCAAGGCTGCTG).
Protein change: p.Val459fs; shifts the reading frame from valine 459.
Molecular consequence: frameshift variant.
Genome position (GRCh38, 1-based): chr17:17,794,308-17,794,323, CTCTCCAAGGCTGCTG duplicated; duplicating any 16 consecutive bases within chr17:17,794,301-17,794,323 gives the same sequence; the c. name uses the placement nearest the transcript's 3' end. VCF-style (leftmost placement, unchanged base first): chr17-17794300-A-AGCTGCTGCTCTCCAAG. GRCh37 (hg19) VCF-style: chr17-17697614-A-AGCTGCTGCTCTCCAAG.
Other names: short protein forms V459fs.
Identifiers: ClinVar variation 3912068 (VCV003912068.1).

ClinVar aggregate classification (germline): Pathogenic (1 of 4 stars; one submission).

Conditions:
Smith-Magenis syndrome (SMS). Also called: CHROMOSOME 17p11.2 DELETION SYNDROME. Identifiers: Orphanet 819, MedGen C0795864, MONDO:0008434, OMIM 182290.

Submission:

Molecular Genetics Laboratory, Motol Hospital
Classification: Pathogenic for Smith-Magenis syndrome. Last evaluated: 2025-06-23. Review status: criteria provided, single submitter. Criteria: ACMG Guidelines, 2015. Collection method: clinical testing. Allele origin: de novo. Affected: yes. Observed: 1 variant allele.
Comment: Not present in gnomAD (v4.1.0), dbSNP or ClinVar (PM2). Rare truncating variants affecting the RAI1 gene are documented as a molecular cause of autosomal dominant "Smith-Magenis syndrome" (SMS, MIM:182290; PMID:15565467;PMID:15788730;PMID:12652290).To conclude, the variant is classified as pathogenic (ACMG PM2, PS2, PVS1).

Literature cited by the submitters: PubMed 15565467; PubMed 15788730; PubMed 12652290.